The following is an entry in ClinVar:

NC_012920.1(MT-CO1):m.6510G>A

Gene: MT-CO1 (mitochondrially encoded cytochrome c oxidase I; plus strand).
Variant type: single nucleotide variant.
Genome position: chrM-6510-G-A.
Identifiers: ClinVar variation 692655 (VCV000692655.1), dbSNP rs1603220518, ClinGen allele CA414784447.

ClinVar aggregate classification (germline): Likely benign (1 of 4 stars; one submission).

Conditions:
Leigh syndrome (NULS). Also called: Leigh's necrotizing encephalopathy; Leigh's disease; Leigh Syndrome (mtDNA deletion); Leigh Disease; Subacute necrotizing encephalopathy; Necrotizing encephalopathy infantile subacute of Leigh. Identifiers: Orphanet 506, MedGen C2931891, MONDO:0009723, OMIM 256000.

Submission:

Wong Mito Lab, Molecular and Human Genetics, Baylor College of Medicine
Classification: Likely benign for Leigh syndrome. Last evaluated: 2019-10-17. Review status: criteria provided, single submitter. Criteria: Modified ACMG Guidelines (Unpublished). Collection method: clinical testing. Allele origin: germline.
Comment: The NC_012920.1:m.6510G>A (YP_003024028.1:p.Ala203Thr) variant in MTCO1 gene is interpretated to be a Likely Benign variant based on the modified ACMG guidelines (unpublished). This variant meets the following evidence codes: BS4, BP6